The following is an entry in ClinVar:

ClinVar aggregate classification (germline): Uncertain significance. Review status: criteria provided, multiple submitters, no conflicts (2 of 4 stars). 2 submissions from 2 submitters: Uncertain significance (2). Last evaluated 2023-01-17.

Conditions:
Erythrocytosis, familial, 3 (ECYT3). Identifiers: Orphanet 247511, MedGen C1853286, MONDO:0012353, OMIM 609820.

Submissions (2):

Labcorp Genetics (formerly Invitae), Labcorp
Classification: Uncertain significance for Erythrocytosis, familial, 3. Last evaluated: 2023-01-17. Review status: criteria provided, single submitter. Criteria: Invitae Variant Classification Sherloc (09022015). Collection method: clinical testing. Allele origin: germline.
Comment: In summary, the available evidence is currently insufficient to determine the role of this variant in disease. Therefore, it has been classified as a Variant of Uncertain Significance. Algorithms developed to predict the effect of missense changes on protein structure and function (SIFT, PolyPhen-2, Align-GVGD) all suggest that this variant is likely to be tolerated. ClinVar contains an entry for this variant (Variation ID: 1791141). This variant has not been reported in the literature in individuals affected with EGLN1-related conditions. This variant is not present in population databases (gnomAD no frequency). This sequence change replaces alanine, which is neutral and non-polar, with glycine, which is neutral and non-polar, at codon 81 of the EGLN1 protein (p.Ala81Gly).

Ambry Genetics
Classification: Uncertain significance. Last evaluated: 2022-02-23. Review status: criteria provided, single submitter. Criteria: Ambry Variant Classification Scheme 2023. Collection method: clinical testing. Allele origin: germline.
Comment: The p.A81G variant (also known as c.242C>G), located in coding exon 1 of the EGLN1 gene, results from a C to G substitution at nucleotide position 242. The alanine at codon 81 is replaced by glycine, an amino acid with similar properties. This amino acid position is conserved. In addition, this alteration is predicted to be tolerated by in silico analysis. Since supporting evidence is limited at this time, the clinical significance of this alteration remains unclear.

NM_022051.3(EGLN1):c.242C>G (p.Ala81Gly)

Gene: EGLN1 (egl-9 family hypoxia inducible factor 1; minus strand). Cytogenetic location: 1q42.2.
Variant type: single nucleotide variant.
Coding change: c.242C>G on transcript NM_022051.3 (MANE Select); coding-DNA position 242, C replaced by G.
Protein change: p.Ala81Gly; replaces alanine 81 with glycine.
Molecular consequence: missense variant.
Genome position (GRCh38, 1-based): chr1:231,421,647, G>C on the plus strand (C>G on the coding strand, the complement: EGLN1 is on the minus strand). VCF-style: chr1-231421647-G-C. GRCh37 (hg19) VCF-style: chr1-231557393-G-C.
Other names: c.242C>G, p.Ala81Gly (NM_001377260.1, NM_001377261.1); short protein forms A81G.
Identifiers: ClinVar variation 1791141 (VCV001791141.5), dbSNP rs2527361105, ClinGen allele CA345238328.